The following is an entry in ClinVar:

ClinVar aggregate classification (germline): Uncertain significance (1 of 4 stars; one submission).

Conditions:
Atypical hemolytic-uremic syndrome. Identifiers: Orphanet 2134, MedGen C2931788, MONDO:0016244.

Submission:

Genomenon, Inc
Classification: Uncertain significance for Atypical hemolytic-uremic syndrome. Last evaluated: 2026-09-17. Review status: criteria provided, single submitter. Criteria: Genomenon Sequence Variant Interpretation Standards - Updated. Collection method: curation. Allele origin: germline. Affected: yes.
Comment: C3 p.Glu1323Ala (c.3968A>C) is a missense variant that changes the amino acid at codon 1323 from Glutamic acid to Alanine. This variant has been observed in at least one proband affected with atypical hemolytic-uremic syndrome (PMID:25608561). It is absent or not present at a significant frequency in gnomAD. In conclusion, we classify C3 p.Glu1323Ala (c.3968A>C) as a variant of uncertain significance.

Literature cited by the submitters: PubMed 25608561.

NM_000064.4(C3):c.3968A>C (p.Glu1323Ala)

Gene: C3 (complement C3; minus strand). Cytogenetic location: 19p13.3.
Variant type: single nucleotide variant.
Coding change: c.3968A>C on transcript NM_000064.4 (MANE Select); coding-DNA position 3968, A replaced by C.
Protein change: p.Glu1323Ala; replaces glutamic acid 1323 with alanine.
Molecular consequence: missense variant.
Genome position (GRCh38, 1-based): chr19:6,684,989, T>G on the plus strand (A>C on the coding strand, the complement: C3 is on the minus strand). VCF-style: chr19-6684989-T-G. GRCh37 (hg19) VCF-style: chr19-6685000-T-G.
Other names: short protein forms E1323A.
Identifiers: ClinVar variation 4280231 (VCV004280231.2).